The following is an entry in ClinVar:

ClinVar aggregate classification (germline): Uncertain significance (1 of 4 stars; one submission).

Conditions:
Inborn genetic diseases. Identifiers: MedGen C0950123, MeSH D030342.

Submission:

Ambry Genetics
Classification: Uncertain significance for Inborn genetic diseases. Last evaluated: 2025-11-05. Review status: criteria provided, single submitter. Criteria: Ambry Variant Classification Scheme 2023. Collection method: clinical testing. Allele origin: germline.
Comment: The c.1600G>A (p.G534R) alteration is located in exon 11 (coding exon 11) of the HK1 gene. This alteration results from a G to A substitution at nucleotide position 1600, causing the glycine (G) at amino acid position 534 to be replaced by an arginine (R). This variant was not reported in population-based cohorts in the Genome Aggregation Database (gnomAD). This amino acid position is highly conserved in available vertebrate species. This alteration is predicted to be deleterious by in silico analysis. Based on insufficient or conflicting evidence, the clinical significance of this alteration remains unclear.

NM_000188.3(HK1):c.1600G>A (p.Gly534Arg)

Gene: HK1 (hexokinase 1; plus strand). Cytogenetic location: 10q22.1.
Variant type: single nucleotide variant.
Coding change: c.1600G>A on transcript NM_000188.3 (MANE Select); coding-DNA position 1600, G replaced by A.
Protein change: p.Gly534Arg; replaces glycine 534 with arginine.
Molecular consequence: missense variant. On other transcripts: non-coding transcript variant (2).
Genome position (GRCh38, 1-based): chr10:69,384,362, G>A. VCF-style: chr10-69384362-G-A. GRCh37 (hg19) VCF-style: chr10-71144118-G-A.
Other names: c.1612G>A, p.Gly538Arg (NM_001322364.2, NM_001358263.1, NM_033497.3 and 1 more transcripts); c.1705G>A, p.Gly569Arg (NM_001322365.2); c.1516G>A, p.Gly506Arg (NM_001322366.1, NM_001441143.1); c.1504G>A, p.Gly502Arg (NM_001322367.1); c.1600G>A, p.Gly534Arg (NM_001441139.1, NM_001441141.1, NM_001441145.1 and 2 more transcripts); c.1591G>A, p.Gly531Arg (NM_001441140.1); c.1558G>A, p.Gly520Arg (NM_001441142.1); c.1480G>A, p.Gly494Arg (NM_001441144.1); and 8 more; short protein forms G321R, G412R, G502R, G520R, G531R, G533R, G404R, G538R.
Identifiers: ClinVar variation 4621558 (VCV004621558.1).